The following is an entry in ClinVar:

NM_001089.3(ABCA3):c.820A>G (p.Thr274Ala)

Gene: ABCA3 (ATP binding cassette subfamily A member 3; minus strand). Cytogenetic location: 16p13.3.
Variant type: single nucleotide variant.
Coding change: c.820A>G on transcript NM_001089.3 (MANE Select); coding-DNA position 820, A replaced by G.
Protein change: p.Thr274Ala; replaces threonine 274 with alanine.
Molecular consequence: missense variant.
Genome position (GRCh38, 1-based): chr16:2,319,634, T>C on the plus strand (A>G on the coding strand, the complement: ABCA3 is on the minus strand). VCF-style: chr16-2319634-T-C. GRCh37 (hg19) VCF-style: chr16-2369635-T-C.
Other names: short protein forms T274A.
Identifiers: ClinVar variation 1762460 (VCV001762460.2), dbSNP rs748821098, ClinGen allele CA7841511.

ClinVar aggregate classification (germline): Uncertain significance (1 of 4 stars; one submission).

Conditions:
Hereditary pulmonary alveolar proteinosis. Also called: Pulmonary surfactant metabolism dysfunction. Identifiers: Orphanet 264675, MedGen C3711368, MONDO:0012580.

Allele frequency attached by ClinVar (database versions not stated): gnomAD 0.00001; TOPMed 0.00001; ExAC 0.00002; gnomAD exomes 0.00005.
gnomAD v4.1: 79 of 1,613,170 alleles (0.0049%); highest among the groups gnomAD compares: Non-Finnish European, 0.0066%; no homozygotes.

Submission:

Ambry Genetics
Classification: Uncertain significance for Hereditary pulmonary alveolar proteinosis. Last evaluated: 2016-10-27. Review status: criteria provided, single submitter. Criteria: Ambry Variant Classification Scheme 2023. Collection method: clinical testing. Allele origin: germline.
Comment: The p.T274A variant (also known as c.820A>G), located in coding exon 5 of the ABCA3 gene, results from an A to G substitution at nucleotide position 820. The threonine at codon 274 is replaced by alanine, an amino acid with similar properties. This variant was not reported in population based cohorts in the following databases: Database of Single Nucleotide Polymorphisms (dbSNP), NHLBI Exome Sequencing Project (ESP), and 1000 Genomes Project. In the ESP, this variant was not observed in 6498 samples (12996 alleles) with coverage at this position. This amino acid position is not well conserved in available vertebrate species. In addition, this alteration is predicted to be tolerated by in silico analysis. Since supporting evidence is limited at this time, the clinical significance of this alteration remains unclear.